The following is an entry in ClinVar:

NM_014336.5(AIPL1):c.547G>A (p.Gly183Arg)

Gene: AIPL1 (AIP like 1 HSP90 co-chaperone; minus strand). Cytogenetic location: 17p13.2.
Variant type: single nucleotide variant.
Coding change: c.547G>A on transcript NM_014336.5 (MANE Select); coding-DNA position 547, G replaced by A.
Protein change: p.Gly183Arg; replaces glycine 183 with arginine.
Molecular consequence: missense variant.
Genome position (GRCh38, 1-based): chr17:6,426,976, C>T on the plus strand (G>A on the coding strand, the complement: AIPL1 is on the minus strand). VCF-style: chr17-6426976-C-T. GRCh37 (hg19) VCF-style: chr17-6330296-C-T.
Other names: c.358G>A, p.Gly120Arg (NM_001033054.3); c.367G>A, p.Gly123Arg (NM_001033055.3); c.511G>A, p.Gly171Arg (NM_001285399.3); c.481G>A, p.Gly161Arg (NM_001285400.3); c.547G>A, p.Gly183Arg (NM_001285401.3); c.430G>A, p.Gly144Arg (NM_001285402.2); c.523G>A, p.Gly175Arg (NM_001285403.4); short protein forms G161R, G175R, G120R, G171R, G123R, G144R, G183R.
Identifiers: ClinVar variation 1359670 (VCV001359670.5), dbSNP rs374255033, ClinGen allele CA8328473.

ClinVar aggregate classification (germline): Uncertain significance (1 of 4 stars; one submission).

Conditions:
Leber congenital amaurosis 4 (LCA4). Identifiers: MedGen C1858386, MONDO:0011458, OMIM 604393.

Allele frequency attached by ClinVar (database versions not stated): gnomAD exomes below 0.00001; ExAC 0.00001; ESP Exome Variant Server 0.00008.
gnomAD v4.1: 32 of 1,614,212 alleles (0.002%); highest among the groups gnomAD compares: Non-Finnish European, 0.0026%; no homozygotes.

Submission:

Labcorp Genetics (formerly Invitae), Labcorp
Classification: Uncertain significance for Leber congenital amaurosis 4. Last evaluated: 2022-08-19. Review status: criteria provided, single submitter. Criteria: Invitae Variant Classification Sherloc (09022015). Collection method: clinical testing. Allele origin: germline.
Comment: This sequence change replaces glycine, which is neutral and non-polar, with arginine, which is basic and polar, at codon 183 of the AIPL1 protein (p.Gly183Arg). This variant is present in population databases (rs374255033, gnomAD 0.0009%). This missense change has been observed in individual(s) with clinical features of an AIPL1-related condition (Invitae). ClinVar contains an entry for this variant (Variation ID: 1359670). Algorithms developed to predict the effect of missense changes on protein structure and function are either unavailable or do not agree on the potential impact of this missense change (SIFT: "Tolerated"; PolyPhen-2: "Possibly Damaging"; Align-GVGD: "Class C0"). Algorithms developed to predict the effect of sequence changes on RNA splicing suggest that this variant may create or strengthen a splice site. In summary, the available evidence is currently insufficient to determine the role of this variant in disease. Therefore, it has been classified as a Variant of Uncertain Significance.